The following is an entry in ClinVar:

NM_001621.5(AHR):c.1841A>C (p.Gln614Pro)

Gene: AHR (aryl hydrocarbon receptor; plus strand). Cytogenetic location: 7p21.1.
Variant type: single nucleotide variant.
Coding change: c.1841A>C on transcript NM_001621.5 (MANE Select); coding-DNA position 1841, A replaced by C.
Protein change: p.Gln614Pro; replaces glutamine 614 with proline.
Molecular consequence: missense variant.
Genome position (GRCh38, 1-based): chr7:17,339,666, A>C. VCF-style: chr7-17339666-A-C. GRCh37 (hg19) VCF-style: chr7-17379290-A-C.
Other names: short protein forms Q614P.
Identifiers: ClinVar variation 2123935 (VCV002123935.4), dbSNP rs2534451009, ClinGen allele CA366895310.

ClinVar aggregate classification (germline): Uncertain significance (1 of 4 stars; one submission).

Submission:

Labcorp Genetics (formerly Invitae), Labcorp
Classification: Uncertain significance. Last evaluated: 2022-07-23. Review status: criteria provided, single submitter. Criteria: Invitae Variant Classification Sherloc (09022015). Collection method: clinical testing. Allele origin: germline.
Comment: In summary, the available evidence is currently insufficient to determine the role of this variant in disease. Therefore, it has been classified as a Variant of Uncertain Significance. Algorithms developed to predict the effect of missense changes on protein structure and function (SIFT, PolyPhen-2, Align-GVGD) all suggest that this variant is likely to be tolerated. This variant has not been reported in the literature in individuals affected with AHR-related conditions. This variant is not present in population databases (gnomAD no frequency). This sequence change replaces glutamine, which is neutral and polar, with proline, which is neutral and non-polar, at codon 614 of the AHR protein (p.Gln614Pro).